The following is an entry in ClinVar:

NM_152490.5(B3GALNT2):c.41G>C (p.Gly14Ala)

Gene: B3GALNT2 (beta-1,3-N-acetylgalactosaminyltransferase 2; minus strand). Cytogenetic location: 1q42.3.
Variant type: single nucleotide variant.
Coding change: c.41G>C on transcript NM_152490.5 (MANE Select); coding-DNA position 41, G replaced by C.
Protein change: p.Gly14Ala; replaces glycine 14 with alanine.
Molecular consequence: missense variant.
Genome position (GRCh38, 1-based): chr1:235,504,212, C>G on the plus strand (G>C on the coding strand, the complement: B3GALNT2 is on the minus strand). VCF-style: chr1-235504212-C-G. GRCh37 (hg19) VCF-style: chr1-235667512-C-G.
Other names: c.41G>C, p.Gly14Ala (NM_001277155.3); short protein forms G14A.
Identifiers: ClinVar variation 1353163 (VCV001353163.8), dbSNP rs2102880495, ClinGen allele CA344937352.

ClinVar aggregate classification (germline): Uncertain significance (1 of 4 stars; one submission).

Conditions:
Muscular dystrophy-dystroglycanopathy (congenital with brain and eye anomalies), type a, 11 (MDDGA11). Also called: WALKER-WARBURG SYNDROME OR MUSCLE-EYE-BRAIN DISEASE, B3GALNT2-RELATED; Muscular dystrophy-dystroglycanopathy (congenital with brain and eye anomalies, type A, 11; Congenital muscular dystrophy-dystroglycanopathy with brain and eye anomalies, type A11. Identifiers: Orphanet 588, Orphanet 899, MedGen C3554638, MONDO:0014071, OMIM 615181.

Submission:

Labcorp Genetics (formerly Invitae), Labcorp
Classification: Uncertain significance for Muscular dystrophy-dystroglycanopathy (congenital with brain and eye anomalies), type a, 11. Last evaluated: 2020-12-03. Review status: criteria provided, single submitter. Criteria: Invitae Variant Classification Sherloc (09022015). Collection method: clinical testing. Allele origin: germline.
Comment: This sequence change replaces glycine with alanine at codon 14 of the B3GALNT2 protein (p.Gly14Ala). The glycine residue is moderately conserved and there is a small physicochemical difference between glycine and alanine. The frequency data for this variant in the population databases is considered unreliable, as metrics indicate insufficient coverage at this position in the ExAC database. This variant has not been reported in the literature in individuals with B3GALNT2-related conditions. Algorithms developed to predict the effect of missense changes on protein structure and function output the following: SIFT: "Tolerated"; PolyPhen-2: "Benign"; Align-GVGD: "Class C0". The alanine amino acid residue is found in multiple mammalian species, suggesting that this missense change does not adversely affect protein function. These predictions have not been confirmed by published functional studies and their clinical significance is uncertain. In summary, the available evidence is currently insufficient to determine the role of this variant in disease. Therefore, it has been classified as a Variant of Uncertain Significance.